The following is an entry in ClinVar:

NM_001377.3(DYNC2H1):c.1661+1G>C

Gene: DYNC2H1 (dynein cytoplasmic 2 heavy chain 1; plus strand). Cytogenetic location: 11q22.3.
Variant type: single nucleotide variant.
Coding change: c.1661+1G>C on transcript NM_001377.3 (MANE Select); the canonical splice donor site of the intron after coding-DNA position 1661, G replaced by C.
Molecular consequence: splice donor variant.
Genome position (GRCh38, 1-based): chr11:103,123,001, G>C. VCF-style: chr11-103123001-G-C. GRCh37 (hg19) VCF-style: chr11-102993730-G-C.
Other names: c.1661+1G>C (NM_001080463.2).
Identifiers: ClinVar variation 2788482 (VCV002788482.4), dbSNP rs1168449484, ClinGen allele CA382253804.

ClinVar aggregate classification (germline): Likely pathogenic. Review status: criteria provided, multiple submitters, no conflicts (2 of 4 stars). 2 submissions from 2 submitters: Likely pathogenic (2). Last evaluated 2026-05-08.

Conditions:
Jeune thoracic dystrophy. Also called: Short-rib thoracic dysplasia; Jeune syndrome; Infantile thoracic dystrophy; Thoracic pelvic phalangeal dystrophy; Jeune's syndrome; Chondroectodermal dysplasia-like syndrome. Identifiers: Orphanet 474, MedGen C0265275, MONDO:0018770.
Asphyxiating thoracic dystrophy 3. Also called: SHORT-RIB THORACIC DYSPLASIA 3 WITH OR WITHOUT POLYDACTYLY; SHORT-RIB THORACIC DYSPLASIA 3/6 WITH POLYDACTYLY, DIGENIC; Short rib polydactyly syndrome 2B; POLYDACTYLY WITH NEONATAL CHONDRODYSTROPHY, TYPE I; Saldino-Noonan Syndrome. Identifiers: Orphanet 474, Orphanet 93269, Orphanet 93270, Orphanet 93271, MedGen C0036069, MONDO:0013127, OMIM 613091.

Allele frequency attached by ClinVar (database versions not stated): gnomAD exomes below 0.00001.
gnomAD v4.1: 4 of 1,502,418 alleles (0.00027%); highest among the groups gnomAD compares: Non-Finnish European, 0.00036%; no homozygotes.

Submissions (2):

Myriad Genetics, Inc.
Classification: Likely pathogenic for Asphyxiating thoracic dystrophy 3. Last evaluated: 2026-05-08. Review status: criteria provided, single submitter. Criteria: Myriad Autosomal Dominant, Autosomal Recessive and X-Linked Classification Criteria (2023). Collection method: clinical testing. Allele origin: unknown.
Comment: NM_001377.2(DYNC2H1):c.1661+1G>C is a variant in a canonical splice site classified as likely pathogenic in the context of DYNC2H1-related disorders. c.1661+1G>C has not been observed in cases with relevant disease. Relevant functional assessments of this variant are not available in the literature. c.1661+1G>C has not been observed in referenced population frequency databases. In summary, NM_001377.2(DYNC2H1):c.1661+1G>C is a variant in a canonical splice site in a gene where loss of function is a known mechanism of disease and is predicted to disrupt protein function. Please note: this variant was assessed in the context of healthy population screening.

Labcorp Genetics (formerly Invitae), Labcorp
Classification: Likely pathogenic for Jeune thoracic dystrophy. Last evaluated: 2023-09-19. Review status: criteria provided, single submitter. Criteria: Invitae Variant Classification Sherloc (09022015). Collection method: clinical testing. Allele origin: germline.
Comment: In summary, the currently available evidence indicates that the variant is pathogenic, but additional data are needed to prove that conclusively. Therefore, this variant has been classified as Likely Pathogenic. Algorithms developed to predict the effect of sequence changes on RNA splicing suggest that this variant may disrupt the consensus splice site. This variant has not been reported in the literature in individuals affected with DYNC2H1-related conditions. This variant is not present in population databases (gnomAD no frequency). This sequence change affects a donor splice site in intron 11 of the DYNC2H1 gene. It is expected to disrupt RNA splicing. Variants that disrupt the donor or acceptor splice site typically lead to a loss of protein function (PMID: 16199547), and loss-of-function variants in DYNC2H1 are known to be pathogenic (PMID: 23339108, 32753734, 33755199).

Literature cited by the submitters: PubMed 16199547 (cited by Labcorp Genetics (formerly Invitae), Labcorp); PubMed 23339108 (cited by Labcorp Genetics (formerly Invitae), Labcorp); PubMed 32753734 (cited by Labcorp Genetics (formerly Invitae), Labcorp); PubMed 33755199 (cited by Labcorp Genetics (formerly Invitae), Labcorp).